The following is an entry in ClinVar:

NM_003476.5(CSRP3):c.238C>T (p.Leu80Phe)

Gene: CSRP3 (cysteine and glycine rich protein 3; minus strand). Cytogenetic location: 11p15.1.
Variant type: single nucleotide variant.
Coding change: c.238C>T on transcript NM_003476.5 (MANE Select); coding-DNA position 238, C replaced by T.
Protein change: p.Leu80Phe; replaces leucine 80 with phenylalanine.
Molecular consequence: missense variant. On other transcripts: intron variant (1).
Genome position (GRCh38, 1-based): chr11:19,188,179, G>A on the plus strand (C>T on the coding strand, the complement: CSRP3 is on the minus strand). VCF-style: chr11-19188179-G-A. GRCh37 (hg19) VCF-style: chr11-19209726-G-A.
Other names: c.113-1831C>T (NM_001369404.1); short protein forms L80F.
Identifiers: ClinVar variation 1432675 (VCV001432675.6), dbSNP rs779184695, ClinGen allele CA5916613.
Genomic context (GRCh38, chr11:19,188,179, plus strand): 5'-GCAGGGCAGTAACTCACTGTTGGAACTGCAGGCCGAGATGCTCGCCCGTGTCTGTGCTGA[G>A]ACAGCCAGCGCCTTGTCCATACCCGATCCCTTTGGGGCCATATCTGCGCCCATAGCACAC-3'
Protein context (NP_003467.1, residues 70-90): GIGYGQGAGC[Leu80Phe]STDTGEHLGL

ClinVar aggregate classification (germline): Uncertain significance (1 of 4 stars; one submission).

Conditions:
Hypertrophic cardiomyopathy 12. Identifiers: MedGen C2677491, MONDO:0012804, OMIM 612124.
Dilated cardiomyopathy 1M (CMD1M). Identifiers: Orphanet 154, MedGen C1843808, MONDO:0011840, OMIM 607482.

Allele frequency attached by ClinVar (database versions not stated): ExAC 0.00001; gnomAD exomes below 0.00001.
gnomAD v4.1: 1 of 1,614,092 alleles (0.000062%); highest among the groups gnomAD compares: African/African-American, 0.0013%; no homozygotes.

Submission:

Labcorp Genetics (formerly Invitae), Labcorp
Classification: Uncertain significance for Hypertrophic cardiomyopathy 12; Dilated cardiomyopathy 1M. Last evaluated: 2021-10-27. Review status: criteria provided, single submitter. Criteria: Invitae Variant Classification Sherloc (09022015). Collection method: clinical testing. Allele origin: germline.
Comment: This sequence change replaces leucine, a(n) neutral and non-polar amino acid, with phenylalanine, a(n) neutral and non-polar amino acid, at codon 80 of the CSRP3 protein (p.Leu80Phe). This variant is present in population databases (rs779184695, gnomAD 0.007%). This variant has not been reported in the literature in individuals affected with CSRP3-related conditions. Algorithms developed to predict the effect of missense changes on protein structure and function are either unavailable or do not agree on the potential impact of this missense change (SIFT: "Deleterious"; PolyPhen-2: "Possibly Damaging"; Align-GVGD: "Class C15"). In summary, the available evidence is currently insufficient to determine the role of this variant in disease. Therefore, it has been classified as a Variant of Uncertain Significance.